The following is an entry in ClinVar:

ClinVar aggregate classification (germline): Pathogenic (1 of 4 stars; one submission).

Conditions:
Early-infantile DEE. Also called: Early infantile epileptic encephalopathy; Early infantile epileptic encephalopathy with suppression bursts; Ohtahara syndrome. Identifiers: Orphanet 1934, MedGen C0393706, MONDO:0800491.

Submission:

Labcorp Genetics (formerly Invitae), Labcorp
Classification: Pathogenic for Early-infantile DEE. Last evaluated: 2024-04-09. Review status: criteria provided, single submitter. Criteria: Invitae Variant Classification Sherloc (09022015). Collection method: clinical testing. Allele origin: germline.
Comment: This sequence change replaces arginine, which is basic and polar, with proline, which is neutral and non-polar, at codon 862 of the SCN1A protein (p.Arg862Pro). This variant is not present in population databases (gnomAD no frequency). This missense change has been observed in individual(s) with autosomal dominant Dravet syndrome and/or developmental and epileptic encephalopathy (PMID: 30321769, 31864146, 36480001). In at least one individual the variant was observed to be de novo. This variant is also known as p.Arg851Pro. Advanced modeling of protein sequence and biophysical properties (such as structural, functional, and spatial information, amino acid conservation, physicochemical variation, residue mobility, and thermodynamic stability) performed at Invitae indicates that this missense variant is expected to disrupt SCN1A protein function with a positive predictive value of 95%. This variant disrupts the p.Arg862 amino acid residue in SCN1A. Other variant(s) that disrupt this residue have been determined to be pathogenic (PMID: 20110217, 21248271). This suggests that this residue is clinically significant, and that variants that disrupt this residue are likely to be disease-causing. For these reasons, this variant has been classified as Pathogenic.

Literature cited by the submitters: PubMed 30321769; PubMed 31864146; PubMed 36480001; PubMed 20110217; PubMed 21248271.

NM_001165963.4(SCN1A):c.2585G>C (p.Arg862Pro)

Gene: SCN1A (sodium voltage-gated channel alpha subunit 1; minus strand). Cytogenetic location: 2q24.3.
Variant type: single nucleotide variant.
Coding change: c.2585G>C on transcript NM_001165963.4 (MANE Select); coding-DNA position 2585, G replaced by C.
Protein change: p.Arg862Pro; replaces arginine 862 with proline.
Molecular consequence: missense variant. On other transcripts: non-coding transcript variant (1).
Genome position (GRCh38, 1-based): chr2:166,039,427, C>G on the plus strand (G>C on the coding strand, the complement: SCN1A is on the minus strand). VCF-style: chr2-166039427-C-G. GRCh37 (hg19) VCF-style: chr2-166895937-C-G.
Other names: c.2549G>C, p.Arg850Pro (NM_001353954.2, NM_001353955.2); c.2501G>C, p.Arg834Pro (NM_001353957.2, NM_001353958.2, NM_001165964.3); c.2552G>C, p.Arg851Pro (NM_001353951.2, NM_001353952.2, NM_001353949.2 and 2 more transcripts); c.2498G>C, p.Arg833Pro (NM_001353960.2); c.143G>C, p.Arg48Pro (NM_001353961.2); c.2585G>C, p.Arg862Pro (NM_001202435.3, NM_001353948.2); short protein forms R48P, R833P, R851P, R862P, R834P, R850P.
Identifiers: ClinVar variation 3706341 (VCV003706341.2).